The following is an entry in ClinVar:

ClinVar aggregate classification (germline): Benign/Likely benign. Review status: criteria provided, multiple submitters, no conflicts (2 of 4 stars). 7 submissions from 6 submitters: Benign (4); Likely benign (3). Last evaluated 2026-02-01.

Conditions:
Fibromuscular dysplasia, multifocal. Identifiers: MedGen C5543412, MONDO:0859151, OMIM 619329.
Ehlers-Danlos syndrome, classic type, 1 (EDSCL1). Also called: Ehlers-Danlos syndrome, type 1; EHLERS-DANLOS SYNDROME, GRAVIS TYPE; EHLERS-DANLOS SYNDROME, SEVERE CLASSIC TYPE; Ehlers-Danlos Syndrome, Classic Type, COL5A1-Related; EDS I. Identifiers: MedGen C0268335, MONDO:0019567, OMIM 130000.
Ehlers-Danlos syndrome, classic type (cEDS). Identifiers: Orphanet 287, MedGen C4225429, MONDO:0007522.

Allele frequency attached by ClinVar (database versions not stated): ExAC 0.00014; ESP Exome Variant Server 0.00015; gnomAD exomes 0.00015 and 0.00022; gnomAD 0.00018; TOPMed 0.00019.

Submissions (7):

Labcorp Genetics (formerly Invitae), Labcorp
Classification: Likely benign for Ehlers-Danlos syndrome, classic type, 1. Last evaluated: 2026-02-01. Review status: criteria provided, single submitter. Criteria: Invitae Variant Classification Sherloc (09022015). Collection method: clinical testing. Allele origin: germline.

Women's Health and Genetics/Laboratory Corporation of America, LabCorp
Classification: Benign. Last evaluated: 2025-07-29. Review status: criteria provided, single submitter. Criteria: LabCorp Variant Classification Summary - May 2015. Collection method: clinical testing. Allele origin: germline.

Blueprint Genetics
Classification: Likely benign. Last evaluated: 2024-11-25. Review status: criteria provided, single submitter. Criteria: ACMG Guidelines, 2015. Collection method: clinical testing. Allele origin: germline.

Genome-Nilou Lab
Classification: Benign for Ehlers-Danlos syndrome, classic type, 1. Last evaluated: 2022-03-15. Review status: criteria provided, single submitter. Criteria: ACMG Guidelines, 2015. Collection method: clinical testing. Allele origin: germline. Affected: no.

Genome-Nilou Lab
Classification: Benign for Fibromuscular dysplasia, multifocal. Last evaluated: 2022-03-15. Review status: criteria provided, single submitter. Criteria: ACMG Guidelines, 2015. Collection method: clinical testing. Allele origin: germline. Affected: no.

ARUP Laboratories, Molecular Genetics and Genomics, ARUP Laboratories
Classification: Likely benign for Ehlers-Danlos syndrome, classic type, 1. Last evaluated: 2020-06-02. Review status: criteria provided, single submitter. Criteria: ARUP Molecular Germline Variant Investigation Process. Collection method: clinical testing. Allele origin: germline.

GeneDx
Classification: Benign. Last evaluated: 2013-03-28. Review status: criteria provided, single submitter. Criteria: GeneDx Variant Classification (06012015). Collection method: clinical testing. Allele origin: germline. Affected: yes.
Comment: This variant is considered likely benign or benign based on one or more of the following criteria: it is a conservative change, it occurs at a poorly conserved position in the protein, it is predicted to be benign by multiple in silico algorithms, and/or has population frequency not consistent with disease.

NM_000093.5(COL5A1):c.2799+11G>A

Gene: COL5A1 (collagen type V alpha 1 chain; plus strand). Cytogenetic location: 9q34.3.
Variant type: single nucleotide variant.
Coding change: c.2799+11G>A on transcript NM_000093.5 (MANE Select); 11 bases into the intron after coding-DNA position 2799, G replaced by A.
Molecular consequence: intron variant.
Genome position (GRCh38, 1-based): chr9:134,795,326, G>A. VCF-style: chr9-134795326-G-A. GRCh37 (hg19) VCF-style: chr9-137687172-G-A.
Other names: c.2799+11G>A (NM_001278074.1).
Identifiers: ClinVar variation 136872 (VCV000136872.20), dbSNP rs377322092, ClinGen allele CA290244.